The following is an entry in ClinVar:

NM_001429.4(EP300):c.2998-1G>A

Genes: EP300 (EP300 lysine acetyltransferase; plus strand), LOC126863158 (BRD4-independent group 4 enhancer GRCh37_chr22:41547383-41548582; plus strand). Cytogenetic location: 22q13.2.
Variant type: single nucleotide variant.
Coding change: c.2998-1G>A on transcript NM_001429.4 (MANE Select); the canonical splice acceptor site of the intron before coding-DNA position 2998, G replaced by A.
Molecular consequence: splice acceptor variant.
Genome position (GRCh38, 1-based): chr22:41,152,205, G>A. VCF-style: chr22-41152205-G-A. GRCh37 (hg19) VCF-style: chr22-41548209-G-A.
Other names: c.2920-1G>A (NM_001362843.2).
Identifiers: ClinVar variation 3897591 (VCV003897591.1).

ClinVar aggregate classification (germline): Likely pathogenic (1 of 4 stars; one submission).

Conditions:
Rubinstein-Taybi syndrome due to EP300 haploinsufficiency. Also called: EP300-Related Rubinstein-Taybi Syndrome; RUBINSTEIN-TAYBI SYNDROME 2. Identifiers: Orphanet 353284, Orphanet 783, MedGen C3150941, MONDO:0013364, OMIM 613684.

Submission:

Genetics Laboratory, UDIAT-Centre Diagnòstic, Hospital Universitari Parc Tauli
Classification: Likely pathogenic for Rubinstein-Taybi syndrome due to EP300 haploinsufficiency. Last evaluated: 2022-09-06. Review status: criteria provided, single submitter. Criteria: ACMG Guidelines, 2015. Collection method: clinical testing. Allele origin: unknown. Inheritance: Autosomal dominant inheritance. Affected: yes.
Comment: PVS1_very strong;PM2_supporting